The following is an entry in ClinVar:

ClinVar aggregate classification (germline): Pathogenic. Review status: reviewed by expert panel (3 of 4 stars). 6 submissions from 6 submitters: Pathogenic (1). 5 of the submissions do not count toward it. Last evaluated 2026-05-19.

Conditions:
PIK3R1-related immunodeficiency and SHORT syndrome. Identifiers: MedGen CN379774, MONDO:1060136.
Inborn genetic diseases. Identifiers: MedGen C0950123, MeSH D030342.
Immunodeficiency 36 with lymphoproliferation. Also called: ACTIVATED PI3K-DELTA SYNDROME 2; Immunodeficiency 36; Activated PI3K Delta Syndrome Type 2 (APDS2). Identifiers: Orphanet 397596, Orphanet 693681, MedGen C4014934, MONDO:0014453, OMIM 616005.
Agammaglobulinemia 7, autosomal recessive (AGM7). Also called: AGAMMAGLOBULINEMIA, AUTOSOMAL RECESSIVE, DUE TO PIK3R1 DEFECT. Identifiers: MedGen C3554689, MONDO:0014083, OMIM 615214.
SHORT syndrome. Also called: SHORT STATURE, HYPEREXTENSIBILITY, HERNIA, OCULAR DEPRESSION, RIEGER ANOMALY, AND TEETHING DELAY; PIK3R1-Related SHORT Syndrome; LIPODYSTROPHY, PARTIAL, WITH RIEGER ANOMALY AND SHORT STATURE. Identifiers: Orphanet 3163, MedGen C0878684, MONDO:0010026, OMIM 269880.

Submissions (6):

ClinGen Primary Immune Regulatory Disorders Variant Curation Expert Panel, ClinGen
Classification: Pathogenic for PIK3R1-related immunodeficiency and SHORT syndrome. Last evaluated: 2026-05-19. Review status: reviewed by expert panel. Criteria: ClinGen AbDef ACMG Specifications PIK3R1 V1.0.0. Collection method: curation. Allele origin: germline. Inheritance: Autosomal dominant inheritance.
Comment: NM_181523.3(PIK3R1):c.1425+1G>C disrupts a canonical splice site in intron 11 that is predicted to cause in-frame skipping of exon 11, resulting in disruption of PIK3R1 function (PVS1_Strong). This variant is located within the splice donor/acceptor +/-1,2 dinucleotide positions with a comparable variant (c.1425+1G>A) within the same splice donor/acceptor +/-1,2 dinucleotide that has been classified Pathogenic by VCEP standards. This variant is absent from gnomAD v4.1.0 (PM2_Supporting). At least one patient with this variant had a phenotype that included recurrent sinopulmonary infections with bronchiectasis (4 pts), lymphadenopathy and splenomegaly (4 pts), inflammatory bowel disease (1 pt), poor growth (2 pts),. arthritis, and thromocytopenia, with genotyping by whole exome sequencing that did not identify an alternative basis for disease in the PIK3CD gene, which together are highly specific for PIK3R1-related immunodeficiency and SHORT syndrome (11 total points, PMID:25488983, PP4). This variant has been identified as a de novo occurrence in 1 individual with unconfirmed parental relationships and a phenotype considered highly specific for PIK3R1 immunodeficiency with SHORT syndrome (PMID:25488983, PS2_Moderate). The variant has been reported to segregate with PIK3R1-related immunodeficiency and SHORT syndrome through at least 1 affected meiosis from 1 family (PMID: 25488983; PP1). In summary, this variant meets the criteria to be classified as pathogenic for autosomal dominant PIK3R1-related immunodeficiency and SHORT syndrome based on the ACMG/AMP criteria applied, as specified by the ClinGen Antibody Deficiencies VCEP: PVS1_Strong, PS1, PM2_Supporting, PP4, PS2_Moderate, and PP1. (VCEP specifications version 1.0.0; date of approval 04/29/2026).

Labcorp Genetics (formerly Invitae), Labcorp
Classification: Pathogenic for SHORT syndrome; Immunodeficiency 36 with lymphoproliferation; Agammaglobulinemia 7, autosomal recessive. Last evaluated: 2024-10-16. Review status: criteria provided, single submitter. Criteria: Invitae Variant Classification Sherloc (09022015). Collection method: clinical testing. Allele origin: germline. Not counted in ClinVar's aggregate classification.
Comment: This sequence change affects a donor splice site in intron 11 of the PIK3R1 gene. RNA analysis indicates that disruption of this splice site induces altered splicing and likely results in a shortened protein product. This variant is not present in population databases (gnomAD no frequency). Disruption of this splice site has been observed in individual(s) with activated PI3K delta syndrome (APDS2) (PMID: 25133428, 25488983, 26529633). In at least one individual the variant was observed to be de novo. This variant is also known as g.67589663G>C. ClinVar contains an entry for this variant (Variation ID: 156009). Studies have shown that disruption of this splice site results in skipping of exon 11, but is expected to preserve the integrity of the reading-frame (PMID: 25133428, 25488983). For these reasons, this variant has been classified as Pathogenic.

Center for Personalized Medicine, Children's Hospital Los Angeles
Classification: Pathogenic. Last evaluated: 2022-12-21. Review status: criteria provided, single submitter. Criteria: ACMG Guidelines, 2015. Collection method: clinical testing. Allele origin: unknown. Affected: yes. Not counted in ClinVar's aggregate classification.

Ambry Genetics
Classification: Pathogenic for Inborn genetic diseases. Last evaluated: 2022-01-13. Review status: criteria provided, single submitter. Criteria: Ambry Variant Classification Scheme 2023. Collection method: clinical testing. Allele origin: germline. Not counted in ClinVar's aggregate classification.
Comment: The c.1425+1G>C intronic variant results from a G to C substitution one nucleotide after exon 11 (coding exon 10) of the PIK3R1 gene. Alterations that disrupt the canonical splice site are expected to result in aberrant splicing. The resulting transcript is predicted to be in-frame and is not expected to trigger nonsense-mediated mRNA decay. This variant was not reported in population-based cohorts in the Genome Aggregation Database (gnomAD). This alteration has been reported in multiple individuals with PIK3R1-related immunodeficiency (Deau, 2014; Lucas, 2014; Elkaim, 2016; Kuhlen, 2015). Another alteration impacting the same donor site (c.1425+1G>A) has been shown to have a similar impact on splicing (skipping of coding exon 10) in an individual with hyper IgM syndrome, lymphadenopathy, and short stature (Petrovski, 2016). This nucleotide position is highly conserved in available vertebrate species. RT-PCR sequencing showed that this alteration resulted in an in-frame deletion of coding exon 10 (Deau, 2014). Functional analysis demonstrated that the alteration abrogates inhibitory activity and promotes AKT activation resulting in a mutant p85&alpha;&Delta;434_475 that was observed to be less stable than the wild type protein (Deau, 2014). In silico splice site analysis predicts that this alteration will weaken the native splice donor site. Based on the available evidence, this alteration is classified as pathogenic.

ARUP Laboratories, Molecular Genetics and Genomics, ARUP Laboratories
Classification: Pathogenic. Last evaluated: 2017-01-26. Review status: criteria provided, single submitter. Criteria: ARUP Molecular Germline Variant Investigation Process. Collection method: clinical testing. Allele origin: germline. Not counted in ClinVar's aggregate classification.

OMIM
Classification: Pathogenic for IMMUNODEFICIENCY 36 WITH LYMPHOPROLIFERATION. Last evaluated: 1995-03-01. Review status: no assertion criteria provided. Collection method: literature only. Allele origin: germline. Not counted in ClinVar's aggregate classification.

Literature cited by the submitters: PubMed 25133428 (cited by Labcorp Genetics (formerly Invitae), Labcorp and Ambry Genetics); PubMed 25488983 (cited by 3 submitters); PubMed 26529633 (cited by Labcorp Genetics (formerly Invitae), Labcorp and Ambry Genetics); PubMed 27076228 (cited by Ambry Genetics); PubMed 27221134 (cited by Ambry Genetics); PubMed 7705412 (cited by OMIM); PubMed 39835783 (cited by OMIM).

NM_181523.3(PIK3R1):c.1425+1G>C

Gene: PIK3R1 (phosphoinositide-3-kinase regulatory subunit 1; plus strand). Cytogenetic location: 5q13.1.
Variant type: single nucleotide variant.
Coding change: c.1425+1G>C on transcript NM_181523.3 (MANE Select); the canonical splice donor site of the intron after coding-DNA position 1425, G replaced by C.
Molecular consequence: splice donor variant.
Genome position (GRCh38, 1-based): chr5:68,293,835, G>C. VCF-style: chr5-68293835-G-C. GRCh37 (hg19) VCF-style: chr5-67589663-G-C.
Other names: IVS11DS, G-C, +1; c.525+1G>C (NM_181524.2); c.615+1G>C (NM_181504.4); c.336+1G>C (NM_001242466.2).
Identifiers: ClinVar variation 156009 (VCV000156009.22), dbSNP rs587777709, ClinGen allele CA170736.